The following is an entry in ClinVar:

ClinVar aggregate classification (germline): Uncertain significance (1 of 4 stars; one submission).

Conditions:
Charcot-Marie-Tooth disease type 4. Also called: Charcot-Marie-Tooth, Type 4; Charcot-Marie-Tooth disease, type IV. Identifiers: Orphanet 64749, MedGen C4082197, MONDO:0018995.

Submission:

Labcorp Genetics (formerly Invitae), Labcorp
Classification: Uncertain significance for Charcot-Marie-Tooth disease type 4. Last evaluated: 2022-07-20. Review status: criteria provided, single submitter. Criteria: Invitae Variant Classification Sherloc (09022015). Collection method: clinical testing. Allele origin: germline.
Comment: Algorithms developed to predict the effect of missense changes on protein structure and function are either unavailable or do not agree on the potential impact of this missense change (SIFT: "Deleterious"; PolyPhen-2: "Benign"; Align-GVGD: "Class C0"). In summary, the available evidence is currently insufficient to determine the role of this variant in disease. Therefore, it has been classified as a Variant of Uncertain Significance. This variant has not been reported in the literature in individuals affected with SBF2-related conditions. This variant is not present in population databases (gnomAD no frequency). This sequence change replaces valine, which is neutral and non-polar, with glycine, which is neutral and non-polar, at codon 115 of the SBF2 protein (p.Val115Gly).

NM_030962.4(SBF2):c.344T>G (p.Val115Gly)

Gene: SBF2 (SET binding factor 2; minus strand). Cytogenetic location: 11p15.4.
Variant type: single nucleotide variant.
Coding change: c.344T>G on transcript NM_030962.4 (MANE Select); coding-DNA position 344, T replaced by G.
Protein change: p.Val115Gly; replaces valine 115 with glycine.
Molecular consequence: missense variant.
Genome position (GRCh38, 1-based): chr11:10,031,106, A>C on the plus strand (T>G on the coding strand, the complement: SBF2 is on the minus strand). VCF-style: chr11-10031106-A-C. GRCh37 (hg19) VCF-style: chr11-10052653-A-C.
Other names: c.344T>G, p.Val115Gly (NM_001386339.1, NM_001386342.1); short protein forms V115G.
Identifiers: ClinVar variation 1720697 (VCV001720697.6), dbSNP rs2496387086, ClinGen allele CA379646646.